The following is an entry in ClinVar:

NM_000878.5(IL2RB):c.645C>T (p.Gly215=)

Gene: IL2RB (interleukin 2 receptor subunit beta; minus strand). Cytogenetic location: 22q12.3.
Variant type: single nucleotide variant.
Coding change: c.645C>T on transcript NM_000878.5 (MANE Select); coding-DNA position 645, C replaced by T.
Protein change: p.Gly215=; no amino-acid change (glycine 215 retained).
Molecular consequence: synonymous variant.
Genome position (GRCh38, 1-based): chr22:37,136,286, G>A on the plus strand (C>T on the coding strand, the complement: IL2RB is on the minus strand). VCF-style: chr22-37136286-G-A. GRCh37 (hg19) VCF-style: chr22-37532326-G-A.
Other names: c.645C>T, p.Gly215= (NM_001346222.1, NM_001346223.2).
Identifiers: ClinVar variation 2781164 (VCV002781164.1), dbSNP rs1017892718, ClinGen allele CA324049761.

ClinVar aggregate classification (germline): Uncertain significance (1 of 4 stars; one submission).

Allele frequency attached by ClinVar (database versions not stated): TOPMed below 0.00001; gnomAD 0.00001; gnomAD exomes 0.00001.
gnomAD v4.1: 8 of 1,612,832 alleles (0.0005%); highest among the groups gnomAD compares: East Asian, 0.0022%; no homozygotes.

Submission:

Labcorp Genetics (formerly Invitae), Labcorp
Classification: Uncertain significance. Last evaluated: 2023-07-12. Review status: criteria provided, single submitter. Criteria: Invitae Variant Classification Sherloc (09022015). Collection method: clinical testing. Allele origin: germline.
Comment: In summary, the available evidence is currently insufficient to determine the role of this variant in disease. Therefore, it has been classified as a Variant of Uncertain Significance. Algorithms developed to predict the effect of sequence changes on RNA splicing suggest that this variant may disrupt the consensus splice site. This variant has not been reported in the literature in individuals affected with IL2RB-related conditions. This variant is present in population databases (no rsID available, gnomAD 0.002%). This sequence change affects codon 215 of the IL2RB mRNA. It is a 'silent' change, meaning that it does not change the encoded amino acid sequence of the IL2RB protein.